The following is an entry in ClinVar:

NM_003242.6(TGFBR2):c.1403A>T (p.Lys468Ile)

Gene: TGFBR2 (transforming growth factor beta receptor 2; plus strand). Cytogenetic location: 3p24.1.
Variant type: single nucleotide variant.
Coding change: c.1403A>T on transcript NM_003242.6 (MANE Select); coding-DNA position 1403, A replaced by T.
Protein change: p.Lys468Ile; replaces lysine 468 with isoleucine.
Molecular consequence: missense variant.
Genome position (GRCh38, 1-based): chr3:30,688,390, A>T. VCF-style: chr3-30688390-A-T. GRCh37 (hg19) VCF-style: chr3-30729882-A-T.
Other names: c.1478A>T, p.Lys493Ile (NM_001024847.3); c.1586A>T, p.Lys529Ile (NM_001407126.1); c.1511A>T, p.Lys504Ile (NM_001407127.1); c.1430A>T, p.Lys477Ile (NM_001407128.1); c.1406A>T, p.Lys469Ile (NM_001407129.1); c.1400A>T, p.Lys467Ile (NM_001407130.1); c.1298A>T, p.Lys433Ile (NM_001407132.1, NM_001407133.1, NM_001407134.1 and 2 more transcripts); c.1118A>T, p.Lys373Ile (NM_001407137.1); and 2 more; short protein forms K178I, K348I, K373I, K433I, K467I, K468I, K469I, K477I.
Identifiers: ClinVar variation 3071283 (VCV003071283.1), dbSNP rs2470595243, ClinGen allele CA351809201.

ClinVar aggregate classification (germline): Uncertain significance (1 of 4 stars; one submission).

Conditions:
Loeys-Dietz syndrome 2 (LDS2). Also called: TGFBR2-Related Loeys-Dietz Syndrome; AORTIC ANEURYSM, FAMILIAL THORACIC 3; MARFAN SYNDROME, TYPE II; Marfan syndrome, type 2 (formerly); Marfan Syndrome type 2; Marfan like connective tissue disorder. Identifiers: Orphanet 284973, Orphanet 558, MedGen C2674574, MONDO:0012427, OMIM 610168.

Submission:

All of Us Research Program, National Institutes of Health
Classification: Uncertain significance for Loeys-Dietz syndrome 2. Last evaluated: 2023-05-31. Review status: criteria provided, single submitter. Criteria: ACMG Guidelines, 2015. Collection method: clinical testing. Allele origin: germline. Inheritance: Autosomal dominant inheritance. Observed: 1 variant allele, 1 heterozygote.
Comment: This study involves interpretation of variants in research participants for the purpose of population health screening. Participant phenotype was not available at the time of variant classification. Additional details can be found in publication PMID: 35346344, PMCID: PMC8962531